The following is an entry in ClinVar:

ClinVar aggregate classification (germline): Likely pathogenic (0 of 4 stars; one submission).

Conditions:
Keratosis follicularis (DAR). Also called: Darier disease; Darier's disease. Identifiers: Orphanet 218, MedGen C0022595, MONDO:0007417, OMIM 124200.

Submission:

Medical Genetics Unit, Mauro Baschirotto Institute for Rare Disease
Classification: Likely pathogenic for Keratosis follicularis. Last evaluated: 2024-06-07. Review status: no assertion criteria provided. Collection method: provider interpretation. Allele origin: germline. Affected: yes. Observed: 1 variant allele.
Comment: The c.1472_1473del variant has not been published as a pathogenic variant, nor has it been reported as a benign variant to our knowledge. This variant causes a frameshift starting with codon Arg 491, changes this amino acid to a Lys residue and creates a premature Stop codon at position 11 of the new reading frame, denoted p.Arg491Lysfs*11.To our knowledge, this variant has not been reported in the literature or in a large population database, indicating this variant is rare. This variant occurs in N-domain. This small deletion gives rise to a frameshift resulting in a premature stop codon and protein truncation. According to Franklin by genoox ACMG classification this null mutation results in a loss of function which is a known mechanism of disease (PVS1 very strong). Therefore, this variant is classified likely pathogenic.

NM_170665.4(ATP2A2):c.1472_1473del (p.Arg491fs)

Gene: ATP2A2 (ATPase sarcoplasmic/endoplasmic reticulum Ca2+ transporting 2; plus strand). Cytogenetic location: 12q24.11.
Variant type: Deletion.
Coding change: c.1472_1473del on transcript NM_170665.4 (MANE Select); coding-DNA positions 1472 to 1473, 2 bases deleted (GA; older notation c.1472_1473delGA).
Protein change: p.Arg491fs; shifts the reading frame from arginine 491.
Molecular consequence: frameshift variant.
Genome position (GRCh38, 1-based): chr12:110,339,333-110,339,334, GA deleted; deleting any 2 consecutive bases within chr12:110,339,332-110,339,334 gives the same sequence; the c. name uses the placement nearest the transcript's 3' end. VCF-style (leftmost placement, unchanged base first): chr12-110339331-CAG-C. GRCh37 (hg19) VCF-style: chr12-110777136-CAG-C.
Other names: c.1367_1368del, p.Arg456fs (NM_001413013.1); c.1472_1473del, p.Arg491fs (NM_001413014.1, NM_001681.4); c.1097_1098del, p.Arg366fs (NM_001413015.1); short protein forms R366fs, R456fs, R491fs.
Identifiers: ClinVar variation 3359247 (VCV003359247.2).